The following is an entry in ClinVar:

ClinVar aggregate classification (germline): Pathogenic/Likely pathogenic. Review status: criteria provided, multiple submitters, no conflicts (2 of 4 stars). 3 submissions from 3 submitters: Pathogenic (2); Likely pathogenic (1). Last evaluated 2024-11-13.

Conditions:
Hereditary cancer-predisposing syndrome. Also called: Hereditary neoplastic syndrome; Neoplastic Syndromes, Hereditary; Hereditary Cancer Syndrome; Tumor predisposition. Identifiers: Orphanet 140162, MedGen C0027672, MeSH D009386, MONDO:0015356.
Familial cancer of breast. Also called: Hereditary breast cancer; hereditary breast carcinoma; BREAST CANCER, FAMILIAL. Identifiers: Orphanet 227535, MedGen C0346153, MONDO:0016419, OMIM 114480. Disease mechanism: loss of function.

Submissions (3):

Molecular Diagnostics Laboratory, Catalan Institute of Oncology
Classification: Likely pathogenic for Hereditary cancer-predisposing syndrome. Last evaluated: 2024-11-13. Review status: criteria provided, single submitter. Criteria: ACMG Guidelines, 2015. Collection method: clinical testing. Allele origin: germline.
Comment: PVS1, PM2_Supporting c.655G>T, located in exon 5 of the CHEK2 gene, is expected to result in loss of function by premature protein truncation and nonsense-mediated mRNA decay, p.(Glu219*) (PVS1). It is not present in the population database gnomAD v2.1.1, non-cancer dataset (PM2_supporting). The SpliceAI algorithm predicts the loss of the canonical donor site (DonorLoss deltascore: 0.42), which would probably cause the out-of-frame skipping of exon 5. To our knowledge, neither relevant clinical data nor well-established functional studies have been reported for this variant. It has been reported in the ClinVar database (2x pathogenic) but not in the LOVD database. Based on currently available information, the variant c.655G>T should be considered a likely pathogenic variant.

Myriad Genetics, Inc.
Classification: Pathogenic for Familial cancer of breast. Last evaluated: 2023-06-26. Review status: criteria provided, single submitter. Criteria: Myriad Autosomal Dominant, Autosomal Recessive and X-Linked Classification Criteria (2023). Collection method: clinical testing. Allele origin: unknown.
Comment: This variant is considered pathogenic. This variant creates a termination codon and is predicted to result in premature protein truncation.

Labcorp Genetics (formerly Invitae), Labcorp
Classification: Pathogenic for Familial cancer of breast. Last evaluated: 2019-06-27. Review status: criteria provided, single submitter. Criteria: Invitae Variant Classification Sherloc (09022015). Collection method: clinical testing. Allele origin: germline.
Comment: For these reasons, this variant has been classified as Pathogenic. Loss-of-function variants in CHEK2 are known to be pathogenic (PMID: 21876083, 24713400). This variant has not been reported in the literature in individuals with CHEK2-related conditions. This variant is not present in population databases (ExAC no frequency). This sequence change creates a premature translational stop signal (p.Glu219*) in the CHEK2 gene. It is expected to result in an absent or disrupted protein product.

Literature cited by the submitters: PubMed 21876083 (cited by Labcorp Genetics (formerly Invitae), Labcorp); PubMed 24713400 (cited by Labcorp Genetics (formerly Invitae), Labcorp).

NM_007194.4(CHEK2):c.655G>T (p.Glu219Ter)

Gene: CHEK2 (checkpoint kinase 2; minus strand). Cytogenetic location: 22q12.1.
Variant type: single nucleotide variant.
Coding change: c.655G>T on transcript NM_007194.4 (MANE Select); coding-DNA position 655, G replaced by T.
Protein change: p.Glu219Ter; replaces glutamic acid 219 with a stop codon.
Molecular consequence: nonsense. On other transcripts: 5 prime UTR variant (2), intron variant (1).
Genome position (GRCh38, 1-based): chr22:28,719,423, C>A on the plus strand (G>T on the coding strand, the complement: CHEK2 is on the minus strand). VCF-style: chr22-28719423-C-A. GRCh37 (hg19) VCF-style: chr22-29115411-C-A.
Other names: c.784G>T, p.Glu262Ter (NM_001005735.3, NM_001438294.1); c.-9G>T (NM_001257387.3, NM_001437942.1); c.748G>T, p.Glu250Ter (NM_001438293.1, NM_001438295.1); c.655G>T, p.Glu219Ter (NM_145862.3); c.482+5463G>T (NM_001349956.3); short protein forms E219*, E262*, E250*.
Identifiers: ClinVar variation 658353 (VCV000658353.12), dbSNP rs1601805632, ClinGen allele CA411104942.